The following is an entry in ClinVar:

ClinVar aggregate classification (germline): Uncertain significance (1 of 4 stars; one submission).

gnomAD v4.1: 1 of 1,613,564 alleles (0.000062%); highest among the groups gnomAD compares: South Asian, 0.0011%; no homozygotes.

Submission:

GeneDx
Classification: Uncertain significance. Last evaluated: 2024-10-30. Review status: criteria provided, single submitter. Criteria: GeneDx Variant Classification Process June 2021. Collection method: clinical testing. Allele origin: germline. Affected: yes.
Comment: Not observed at significant frequency in large population cohorts (gnomAD); In silico analysis supports that this missense variant has a deleterious effect on protein structure/function; Has not been previously published as pathogenic or benign to our knowledge

NM_006186.4(NR4A2):c.398C>G (p.Pro133Arg)

Gene: NR4A2 (nuclear receptor subfamily 4 group A member 2; minus strand). Cytogenetic location: 2q24.1.
Variant type: single nucleotide variant.
Coding change: c.398C>G on transcript NM_006186.4 (MANE Select); coding-DNA position 398, C replaced by G.
Protein change: p.Pro133Arg; replaces proline 133 with arginine.
Molecular consequence: missense variant.
Genome position (GRCh38, 1-based): chr2:156,329,789, G>C on the plus strand (C>G on the coding strand, the complement: NR4A2 is on the minus strand). VCF-style: chr2-156329789-G-C. GRCh37 (hg19) VCF-style: chr2-157186301-G-C.
Other names: c.209C>G, p.Pro70Arg (NM_173173.3); short protein forms P133R, P70R.
Identifiers: ClinVar variation 3897501 (VCV003897501.1).
Genomic context (GRCh38, chr2:156,329,789, plus strand): 5'-TGGAAGTTGTGGAGAGATCCCGGGTCGTCCCACATGGGGCTGTGCTGCACCTGGAAGCCC[G>C]GGGTGGTGGGCGTCGGGGGCGAGGAGGGCTTGTAGTAAACCGACCCGGAGTGCGGCATCA-3'
Protein context (NP_006177.1, residues 123-143): KPSSPPTPTT[Pro133Arg]GFQVQHSPMW